The following is an entry in ClinVar:

NM_033026.6(PCLO):c.463G>A (p.Gly155Ser)

Gene: PCLO (piccolo presynaptic cytomatrix protein; minus strand). Cytogenetic location: 7q21.11.
Variant type: single nucleotide variant.
Coding change: c.463G>A on transcript NM_033026.6 (MANE Select); coding-DNA position 463, G replaced by A.
Protein change: p.Gly155Ser; replaces glycine 155 with serine.
Molecular consequence: missense variant.
Genome position (GRCh38, 1-based): chr7:83,156,178, C>T on the plus strand (G>A on the coding strand, the complement: PCLO is on the minus strand). VCF-style: chr7-83156178-C-T. GRCh37 (hg19) VCF-style: chr7-82785494-C-T.
Other names: c.463G>A, p.Gly155Ser (NM_014510.3); short protein forms G155S.
Identifiers: ClinVar variation 1421819 (VCV001421819.3), dbSNP rs985136721, ClinGen allele CA161191631.

ClinVar aggregate classification (germline): Uncertain significance (1 of 4 stars; one submission).

Allele frequency attached by ClinVar (database versions not stated): gnomAD exomes below 0.00001 and 0.00001; gnomAD 0.00001; TOPMed 0.00001.
gnomAD v4.1: 10 of 1,613,402 alleles (0.00062%); highest among the groups gnomAD compares: African/African-American, 0.0013%; no homozygotes.

Submission:

Labcorp Genetics (formerly Invitae), Labcorp
Classification: Uncertain significance. Last evaluated: 2022-01-03. Review status: criteria provided, single submitter. Criteria: Invitae Variant Classification Sherloc (09022015). Collection method: clinical testing. Allele origin: germline.
Comment: This sequence change replaces glycine, which is neutral and non-polar, with serine, which is neutral and polar, at codon 155 of the PCLO protein (p.Gly155Ser). This variant is present in population databases (no rsID available, gnomAD 0.0009%). This variant has not been reported in the literature in individuals affected with PCLO-related conditions. Algorithms developed to predict the effect of missense changes on protein structure and function output the following: SIFT: "Tolerated"; PolyPhen-2: "Not Available"; Align-GVGD: "Class C0". The serine amino acid residue is found in multiple mammalian species, which suggests that this missense change does not adversely affect protein function. In summary, the available evidence is currently insufficient to determine the role of this variant in disease. Therefore, it has been classified as a Variant of Uncertain Significance.